The following is an entry in ClinVar:

ClinVar aggregate classification (germline): Uncertain significance. Review status: criteria provided, multiple submitters, no conflicts (2 of 4 stars). 2 submissions from 2 submitters: Uncertain significance (2). Last evaluated 2025-09-19.

Conditions:
Catecholaminergic polymorphic ventricular tachycardia (CVPT). Also called: Catecholamine-induced polymorphic ventricular tachycardia. Identifiers: Orphanet 3286, MedGen C5574922, MONDO:0017990.
Cardiovascular phenotype. Identifiers: MedGen CN230736.

Submissions (2):

Ambry Genetics
Classification: Uncertain significance for Cardiovascular phenotype. Last evaluated: 2025-09-19. Review status: criteria provided, single submitter. Criteria: Ambry Variant Classification Scheme 2023. Collection method: clinical testing. Allele origin: germline.
Comment: The p.E4146G variant (also known as c.12437A>G), located in coding exon 90 of the RYR2 gene, results from an A to G substitution at nucleotide position 12437. The glutamic acid at codon 4146 is replaced by glycine, an amino acid with similar properties. This amino acid position is highly conserved in available vertebrate species. In addition, this alteration is predicted to be deleterious by in silico analysis. Based on the available evidence, the clinical significance of this variant remains unclear.

All of Us Research Program, National Institutes of Health
Classification: Uncertain significance for Catecholaminergic polymorphic ventricular tachycardia. Last evaluated: 2024-06-09. Review status: criteria provided, single submitter. Criteria: ACMG Guidelines, 2015. Collection method: clinical testing. Allele origin: germline. Inheritance: Autosomal dominant inheritance. Observed: 1 variant allele, 1 heterozygote.
Comment: This missense variant replaces glutamic acid with glycine at codon 4146 of the RYR2 protein. This variant occurs in a region of the RYR2 protein that is considered to be a hotspot for pathogenic variants that contribute to catecholaminergic polymorphic ventricular tachycardia susceptibility (PMID: 30696458). Computational prediction suggests that this variant may have deleterious impact on protein structure and function (internally defined REVEL score threshold >= 0.7, PMID: 27666373). To our knowledge, functional studies have not been reported for this variant. This variant has not been reported in individuals affected with RYR2-related disorders in the literature. This variant has not been identified in the general population by the Genome Aggregation Database (gnomAD). The available evidence is insufficient to determine the role of this variant in disease conclusively. Therefore, this variant is classified as a Variant of Uncertain Significance.

This study involves interpretation of variants in research participants for the purpose of population health screening. Participant phenotype was not available at the time of variant classification. Additional details can be found in publication PMID: 35346344, PMCID: PMC8962531

Literature cited by the submitters: PubMed 30696458 (cited by All of Us Research Program, National Institutes of Health).

NM_001035.3(RYR2):c.12437A>G (p.Glu4146Gly)

Genes: RYR2 (ryanodine receptor 2; plus strand), LOC126806068 (BRD4-independent group 4 enhancer GRCh37_chr1:237947411-237948610; plus strand). Cytogenetic location: 1q43.
Variant type: single nucleotide variant.
Coding change: c.12437A>G on transcript NM_001035.3 (MANE Select); coding-DNA position 12437, A replaced by G.
Protein change: p.Glu4146Gly; replaces glutamic acid 4146 with glycine.
Molecular consequence: missense variant.
Genome position (GRCh38, 1-based): chr1:237,784,149, A>G. VCF-style: chr1-237784149-A-G. GRCh37 (hg19) VCF-style: chr1-237947449-A-G.
Other names: c.12437A>G, p.Glu4146Gly (LRG_402t1); short protein forms E4146G.
Identifiers: ClinVar variation 519230 (VCV000519230.7), dbSNP rs1553322833, ClinGen allele CA345413254.